The following is an entry in ClinVar:

ClinVar aggregate classification (germline): Uncertain significance. Review status: criteria provided, multiple submitters, no conflicts (2 of 4 stars). 5 submissions from 5 submitters: Uncertain significance (4). 1 of the submissions does not count toward it. Last evaluated 2026-03-30.

Conditions:
LRP5-related disorder. Also called: LRP5-related condition.
Osteoporosis. Identifiers: MedGen C0029456, MONDO:0005298, OMIM 166710, HP:0000939.
Autosomal dominant osteopetrosis 1 (OPTA1). Also called: OSTEOPETROSIS, AUTOSOMAL DOMINANT, TYPE I. Identifiers: Orphanet 2783, MedGen C1843330, MONDO:0011877, OMIM 607634.
Worth disease. Also called: ENDOSTEAL HYPEROSTOSIS, AUTOSOMAL DOMINANT; OSTEOSCLEROSIS, AUTOSOMAL DOMINANT; Autosomal dominant osteosclerosis, Worth type. Identifiers: Orphanet 2790, MedGen C0432273, MONDO:0007764, OMIM 144750.
Polycystic liver disease 4 with or without kidney cysts. Identifiers: MedGen C4693479, MONDO:0044327, OMIM 617875.
Exudative vitreoretinopathy 4 (EVR4). Identifiers: Orphanet 891, MedGen C1866176, MONDO:0011151, OMIM 601813.
Osteoporosis with pseudoglioma (OPPG). Also called: osteoporosis-pseudoglioma syndrome. Identifiers: Orphanet 2788, MedGen C0432252, MONDO:0009820, OMIM 259770.
Exudative vitreoretinopathy 1 (EVR1). Also called: CRISWICK-SCHEPENS SYNDROME; FEVR, AUTOSOMAL DOMINANT; Familial exudative vitreoretinopathy, autosomal dominant. Identifiers: Orphanet 891, Orphanet 90050, MedGen C1851402, MONDO:0007589, OMIM 133780.
Bone mineral density quantitative trait locus 1 (BMND1). Identifiers: MedGen C1866079, OMIM 601884.
Autosomal dominant polycystic liver disease. Also called: Congenital cystic disease of liver; Polycystic liver disease. Identifiers: Orphanet 2924, MedGen C0158683, MONDO:0000447, HP:0006557.

Allele frequency attached by ClinVar (database versions not stated): gnomAD exomes 0.00007; TOPMed 0.00008; ExAC 0.00009; gnomAD 0.00009 and 0.00010; ESP Exome Variant Server 0.00015; 1000 Genomes Project 30x 0.00016; 1000 Genomes Project 0.00020.
gnomAD v4.1: 128 of 1,613,604 alleles (0.0079%); highest among the groups gnomAD compares: Non-Finnish European, 0.0097%; no homozygotes.

Submissions (5):

PreventionGenetics, part of Exact Sciences
Classification: Uncertain significance for LRP5-related condition. Last evaluated: 2026-03-30. Review status: criteria provided, single submitter. Criteria: ACMG Guidelines, 2015. Collection method: clinical testing. Allele origin: germline.
Comment: The LRP5 c.4580C>T variant is predicted to result in the amino acid substitution p.Pro1527Leu. To our knowledge, this variant has not been reported in the literature. This variant is reported in 0.015% of alleles in individuals of European (Non-Finnish) descent in gnomAD. At this time, the clinical significance of this variant is uncertain due to the absence of conclusive functional and genetic evidence.

Labcorp Genetics (formerly Invitae), Labcorp
Classification: Uncertain significance. Last evaluated: 2025-11-30. Review status: criteria provided, single submitter. Criteria: Invitae Variant Classification Sherloc (09022015). Collection method: clinical testing. Allele origin: germline.
Comment: This sequence change replaces proline, which is neutral and non-polar, with leucine, which is neutral and non-polar, at codon 1527 of the LRP5 protein (p.Pro1527Leu). This variant is present in population databases (rs80291963, gnomAD 0.01%). This variant has not been reported in the literature in individuals affected with LRP5-related conditions. ClinVar contains an entry for this variant (Variation ID: 936391). Invitae Evidence Modeling of protein sequence and biophysical properties (such as structural, functional, and spatial information, amino acid conservation, physicochemical variation, residue mobility, and thermodynamic stability) indicates that this missense variant is not expected to disrupt LRP5 protein function with a negative predictive value of 95%. In summary, the available evidence is currently insufficient to determine the role of this variant in disease. Therefore, it has been classified as a Variant of Uncertain Significance.

Blueprint Genetics
Classification: Uncertain significance. Last evaluated: 2023-10-16. Review status: criteria provided, single submitter. Criteria: ACMG Guidelines, 2015. Collection method: clinical testing. Allele origin: germline.

Fulgent Genetics
Classification: Uncertain significance for Exudative vitreoretinopathy 1; Worth disease; Osteoporosis; Osteoporosis with pseudoglioma; Exudative vitreoretinopathy 4; Bone mineral density quantitative trait locus 1; Autosomal dominant osteopetrosis 1; Polycystic liver disease 4 with or without kidney cysts. Last evaluated: 2021-12-07. Review status: criteria provided, single submitter. Criteria: ACMG Guidelines, 2015. Collection method: clinical testing. Allele origin: unknown.

Laboratory of Gastroenterology and Hepatology, Radboud University Medical Center
Classification: Uncertain significance for Autosomal dominant polycystic liver disease. Last evaluated: 2021-09-01. Review status: no assertion criteria provided. Collection method: research. Allele origin: germline. Affected: yes. Not counted in ClinVar's aggregate classification.

NM_002335.4(LRP5):c.4580C>T (p.Pro1527Leu)

Gene: LRP5 (LDL receptor related protein 5; plus strand). Cytogenetic location: 11q13.2.
Variant type: single nucleotide variant.
Coding change: c.4580C>T on transcript NM_002335.4 (MANE Select); coding-DNA position 4580, C replaced by T.
Protein change: p.Pro1527Leu; replaces proline 1527 with leucine.
Molecular consequence: missense variant.
Genome position (GRCh38, 1-based): chr11:68,446,527, C>T. VCF-style: chr11-68446527-C-T. GRCh37 (hg19) VCF-style: chr11-68213995-C-T.
Other names: c.2837C>T, p.Pro946Leu (NM_001291902.2); short protein forms P1527L, P946L.
Identifiers: ClinVar variation 936391 (VCV000936391.39), dbSNP rs80291963, ClinGen allele CA6150430.